The following is an entry in ClinVar:

ClinVar aggregate classification (germline): Uncertain significance (1 of 4 stars; one submission).

Conditions:
Inborn genetic diseases. Identifiers: MedGen C0950123, MeSH D030342.

gnomAD v4.1: 2 of 1,613,422 alleles (0.00012%); highest among the groups gnomAD compares: Non-Finnish European, 0.00017%; no homozygotes.

Submission:

Ambry Genetics
Classification: Uncertain significance for Inborn genetic diseases. Last evaluated: 2026-02-14. Review status: criteria provided, single submitter. Criteria: Ambry Variant Classification Scheme 2023. Collection method: clinical testing. Allele origin: germline.
Comment: The p.I910V variant (also known as c.2728A>G), located in coding exon 1 of the SAMD9 gene, results from an A to G substitution at nucleotide position 2728. The isoleucine at codon 910 is replaced by valine, an amino acid with highly similar properties. This amino acid position is conserved. In addition, this alteration is predicted to be tolerated by in silico analysis. Based on the available evidence, the clinical significance of this variant remains unclear.

NM_017654.4(SAMD9):c.2728A>G (p.Ile910Val)

Gene: SAMD9 (sterile alpha motif domain containing 9; minus strand). Cytogenetic location: 7q21.2.
Variant type: single nucleotide variant.
Coding change: c.2728A>G on transcript NM_017654.4 (MANE Select); coding-DNA position 2728, A replaced by G.
Protein change: p.Ile910Val; replaces isoleucine 910 with valine.
Molecular consequence: missense variant.
Genome position (GRCh38, 1-based): chr7:93,103,370, T>C on the plus strand (A>G on the coding strand, the complement: SAMD9 is on the minus strand). VCF-style: chr7-93103370-T-C. GRCh37 (hg19) VCF-style: chr7-92732683-T-C.
Other names: c.2728A>G, p.Ile910Val (NM_001193307.2); short protein forms I910V.
Identifiers: ClinVar variation 4824702 (VCV004824702.1).